The following is an entry in ClinVar:

ClinVar aggregate classification (germline): Uncertain significance (1 of 4 stars; one submission).

Allele frequency attached by ClinVar (database versions not stated): ExAC 0.00006; gnomAD exomes 0.00008 and 0.00020; gnomAD 0.00009 and 0.00010; TOPMed 0.00009; 1000 Genomes Project 30x 0.00016.
gnomAD v4.1: 305 of 1,612,752 alleles (0.019%); highest among the groups gnomAD compares: Non-Finnish European, 0.025%; no homozygotes.

Submission:

Labcorp Genetics (formerly Invitae), Labcorp
Classification: Uncertain significance. Last evaluated: 2025-11-11. Review status: criteria provided, single submitter. Criteria: Invitae Variant Classification Sherloc (09022015). Collection method: clinical testing. Allele origin: germline.
Comment: This sequence change replaces isoleucine, which is neutral and non-polar, with valine, which is neutral and non-polar, at codon 1050 of the VPS13C protein (p.Ile1050Val). This variant is present in population databases (rs768041470, gnomAD 0.02%). This missense change has been observed in individual(s) with Alzheimer’s disease (PMID: 37330543). ClinVar contains an entry for this variant (Variation ID: 1482789). An algorithm developed to predict the effect of missense changes on protein structure and function outputs the following: PolyPhen-2: "Benign". The valine amino acid residue is found in multiple mammalian species, which suggests that this missense change does not adversely affect protein function. In summary, the available evidence is currently insufficient to determine the role of this variant in disease. Therefore, it has been classified as a Variant of Uncertain Significance.

Literature cited by the submitters: PubMed 37330543.

NM_020821.3(VPS13C):c.3148A>G (p.Ile1050Val)

Gene: VPS13C (vacuolar protein sorting 13 homolog C; minus strand). Cytogenetic location: 15q22.2.
Variant type: single nucleotide variant.
Coding change: c.3148A>G on transcript NM_020821.3 (MANE Select); coding-DNA position 3148, A replaced by G.
Protein change: p.Ile1050Val; replaces isoleucine 1050 with valine.
Molecular consequence: missense variant.
Genome position (GRCh38, 1-based): chr15:61,964,765, T>C on the plus strand (A>G on the coding strand, the complement: VPS13C is on the minus strand). VCF-style: chr15-61964765-T-C. GRCh37 (hg19) VCF-style: chr15-62256964-T-C.
Other names: c.3148A>G, p.Ile1050Val (NM_001018088.3); c.3019A>G, p.Ile1007Val (NM_017684.5, NM_018080.4); short protein forms I1007V, I1050V.
Identifiers: ClinVar variation 1482789 (VCV001482789.4), dbSNP rs768041470, ClinGen allele CA7596477.